The following is an entry in ClinVar:

NM_020066.5(FMN2):c.1782+8G>A

Gene: FMN2 (formin 2; plus strand). Cytogenetic location: 1q43.
Variant type: single nucleotide variant.
Coding change: c.1782+8G>A on transcript NM_020066.5 (MANE Select); 8 bases into the intron after coding-DNA position 1782, G replaced by A.
Molecular consequence: intron variant.
Genome position (GRCh38, 1-based): chr1:240,123,353, G>A. VCF-style: chr1-240123353-G-A. GRCh37 (hg19) VCF-style: chr1-240286653-G-A.
Other names: NC_000001.10:g.240286653G>A; c.1782+8G>A (NM_001305424.2, NM_001348094.2).
Identifiers: ClinVar variation 780811 (VCV000780811.7), dbSNP rs115215815, ClinGen allele CA1476412.
Genomic context (GRCh38, chr1:240,123,353, plus strand): 5'-GCTTCAGGGAACCGTGTAATCAGAATGCCCAGACGAATGCAGCTTCGTTTGATGTAAGTA[G>A]GAGAATTCACTTCTGTCCGTGAGGCAGATTTGCTGTGGAAATAGCAGCTACGATGTGTAT-3'

ClinVar aggregate classification (germline): Benign. Review status: criteria provided, single submitter (1 of 4 stars). 2 submissions from 2 submitters: Benign (1). 1 of the submissions does not count toward it. Last evaluated 2019-12-31.

Conditions:
FMN2-related disorder. Also called: FMN2-related condition.

Allele frequency attached by ClinVar (database versions not stated): gnomAD exomes 0.00084 and 0.00229; ExAC 0.00283; 1000 Genomes Project 0.00759; 1000 Genomes Project 30x 0.00843; gnomAD 0.00931 and 0.01019; TOPMed 0.01029; ESP Exome Variant Server 0.01115.
gnomAD v4.1: 2,711 of 1,611,464 alleles (0.17%); highest among the groups gnomAD compares: African/African-American, 3.1%; 44 homozygotes.

Submissions (5):

Labcorp Genetics (formerly Invitae), Labcorp
Classification: Benign. Last evaluated: 2019-12-31. Review status: criteria provided, single submitter. Criteria: Invitae Variant Classification Sherloc (09022015). Collection method: clinical testing. Allele origin: germline.

PreventionGenetics, part of Exact Sciences
Classification: Benign for FMN2-related condition. Last evaluated: 2019-09-06. Review status: no assertion criteria provided. Collection method: clinical testing. Allele origin: germline. Not counted in ClinVar's aggregate classification.
Comment: This variant is classified as benign based on ACMG/AMP sequence variant interpretation guidelines (Richards et al. 2015 PMID: 25741868, with internal and published modifications).

Dr. Peter K. Rogan Lab, Western University
No classification provided (evidence only). Condition: Sarcoma. Review status: no classification provided. Collection method: in vitro. Allele origin: not applicable. Functional consequence: retained intron. Not counted in ClinVar's aggregate classification.

Dr. Peter K. Rogan Lab, Western University
No classification provided (evidence only). Condition: Gastric cancer. Review status: no classification provided. Collection method: in vitro. Allele origin: not applicable. Functional consequence: retained intron. Not counted in ClinVar's aggregate classification.

Dr. Peter K. Rogan Lab, Western University
No classification provided (evidence only). Condition: Malignant tumor of esophagus. Review status: no classification provided. Collection method: in vitro. Allele origin: not applicable. Functional consequence: retained intron. Not counted in ClinVar's aggregate classification.